The following is an entry in ClinVar:

NM_004859.4(CLTC):c.2648A>G (p.Tyr883Cys)

Gene: CLTC (clathrin heavy chain; plus strand). Cytogenetic location: 17q23.1.
Variant type: single nucleotide variant.
Coding change: c.2648A>G on transcript NM_004859.4 (MANE Select); coding-DNA position 2648, A replaced by G.
Protein change: p.Tyr883Cys; replaces tyrosine 883 with cysteine.
Molecular consequence: missense variant.
Genome position (GRCh38, 1-based): chr17:59,677,040, A>G. VCF-style: chr17-59677040-A-G. GRCh37 (hg19) VCF-style: chr17-57754401-A-G.
Other names: c.2660A>G, p.Tyr887Cys (NM_001288653.2); short protein forms Y887C, Y883C.
Identifiers: ClinVar variation 2878970 (VCV002878970.3), dbSNP rs2509144313, ClinGen allele CA400415834.

ClinVar aggregate classification (germline): Uncertain significance (1 of 4 stars; one submission).

Allele frequency attached by ClinVar (database versions not stated): gnomAD exomes below 0.00001.
gnomAD v4.1: 2 of 1,614,140 alleles (0.00012%); highest among the groups gnomAD compares: Non-Finnish European, 0.000085%; no homozygotes.

Submission:

Labcorp Genetics (formerly Invitae), Labcorp
Classification: Uncertain significance. Last evaluated: 2023-11-27. Review status: criteria provided, single submitter. Criteria: Invitae Variant Classification Sherloc (09022015). Collection method: clinical testing. Allele origin: germline.
Comment: This sequence change replaces tyrosine, which is neutral and polar, with cysteine, which is neutral and slightly polar, at codon 887 of the CLTC protein (p.Tyr887Cys). This variant is not present in population databases (gnomAD no frequency). This variant has not been reported in the literature in individuals affected with CLTC-related conditions. Advanced modeling of protein sequence and biophysical properties (such as structural, functional, and spatial information, amino acid conservation, physicochemical variation, residue mobility, and thermodynamic stability) performed at Invitae indicates that this missense variant is expected to disrupt CLTC protein function with a positive predictive value of 80%. In summary, the available evidence is currently insufficient to determine the role of this variant in disease. Therefore, it has been classified as a Variant of Uncertain Significance.